The following is an entry in ClinVar:

NM_004044.7(ATIC):c.548C>A (p.Ala183Glu)

Gene: ATIC (5-aminoimidazole-4-carboxamide ribonucleotide formyltransferase/IMP cyclohydrolase; plus strand). Cytogenetic location: 2q35.
Variant type: single nucleotide variant.
Coding change: c.548C>A on transcript NM_004044.7 (MANE Select); coding-DNA position 548, C replaced by A.
Protein change: p.Ala183Glu; replaces alanine 183 with glutamic acid.
Molecular consequence: missense variant.
Genome position (GRCh38, 1-based): chr2:215,326,838, C>A. VCF-style: chr2-215326838-C-A. GRCh37 (hg19) VCF-style: chr2-216191561-C-A.
Other names: short protein forms A183E.
Identifiers: ClinVar variation 638424 (VCV000638424.7), dbSNP rs761526509, ClinGen allele CA2093011.

ClinVar aggregate classification (germline): Uncertain significance. Review status: criteria provided, multiple submitters, no conflicts (2 of 4 stars). 3 submissions from 3 submitters: Uncertain significance (3). Last evaluated 2024-01-23.

Conditions:
AICA-ribosiduria. Also called: AICA-ribosiduria due to ATIC deficiency; ATIC DEFICIENCY. Identifiers: Orphanet 250977, MedGen C1837530, MONDO:0012099, OMIM 608688.

Allele frequency attached by ClinVar (database versions not stated): gnomAD 0.00002 and 0.00003; gnomAD exomes 0.00002 and 0.00004; TOPMed 0.00002; ExAC 0.00004.
gnomAD v4.1: 35 of 1,613,870 alleles (0.0022%); highest among the groups gnomAD compares: Middle Eastern, 0.05%; no homozygotes.

Submissions (3):

Ambry Genetics
Classification: Uncertain significance. Last evaluated: 2024-01-23. Review status: criteria provided, single submitter. Criteria: Ambry Variant Classification Scheme 2023. Collection method: clinical testing. Allele origin: germline.

Labcorp Genetics (formerly Invitae), Labcorp
Classification: Uncertain significance. Last evaluated: 2023-10-05. Review status: criteria provided, single submitter. Criteria: Invitae Variant Classification Sherloc (09022015). Collection method: clinical testing. Allele origin: germline.
Comment: This sequence change replaces alanine, which is neutral and non-polar, with glutamic acid, which is acidic and polar, at codon 183 of the ATIC protein (p.Ala183Glu). This variant is present in population databases (rs761526509, gnomAD 0.03%). This variant has not been reported in the literature in individuals affected with ATIC-related conditions. ClinVar contains an entry for this variant (Variation ID: 638424). Advanced modeling of protein sequence and biophysical properties (such as structural, functional, and spatial information, amino acid conservation, physicochemical variation, residue mobility, and thermodynamic stability) performed at Invitae indicates that this missense variant is expected to disrupt ATIC protein function. In summary, the available evidence is currently insufficient to determine the role of this variant in disease. Therefore, it has been classified as a Variant of Uncertain Significance.

Genomic Research Center, Shahid Beheshti University of Medical Sciences
Classification: Uncertain significance for AICAR transformylase/IMP cyclohydrolase deficiency. Last evaluated: 2019-04-27. Review status: criteria provided, single submitter. Criteria: ACMG Guidelines, 2015. Collection method: clinical testing. Allele origin: unknown. Affected: no.